The following is an entry in ClinVar:

ClinVar aggregate classification (germline): Pathogenic. Review status: reviewed by expert panel (3 of 4 stars). 7 submissions from 7 submitters: Pathogenic (1). 6 of the submissions do not count toward it. Last evaluated 2017-03-17.

Conditions:
CFTR-related disorder (CFTR-RD). Also called: CFTR-related disorders; CFTR-related condition. Identifiers: MedGen C5924204, MONDO:7770004.
Bronchiectasis with or without elevated sweat chloride 1 (BESC1). Also called: Cystic Fibrosis-Like Syndrome. Identifiers: Orphanet 60033, MedGen C2749757, MONDO:0008887, OMIM 211400.
Hereditary pancreatitis (PCTT). Also called: PRSS1-Related Hereditary Pancreatitis; Hereditary chronic pancreatitis. Identifiers: Orphanet 676, MedGen C0238339, MONDO:0008185, OMIM 167800.
Cystic fibrosis (CF). Also called: MUCOVISCIDOSIS. Identifiers: Orphanet 586, MedGen C0010674, MONDO:0009061, OMIM 219700. Disease mechanism: loss of function.
Congenital bilateral aplasia of vas deferens from CFTR mutation (CBAVD). Identifiers: Orphanet 48, MedGen C0403814, MONDO:0010178, OMIM 277180. Disease mechanism: loss of function.

Submissions (7):

CFTR2
Classification: Pathogenic for Cystic fibrosis. Last evaluated: 2017-03-17. Review status: reviewed by expert panel. Criteria: Sosnay PR et al. (Nat Genet 2013). Collection method: research. Allele origin: germline. Affected: yes. Study: CFTR2.

Natera, Inc.
Classification: Pathogenic for CFTR-related disorders. Last evaluated: 2024-06-04. Review status: criteria provided, single submitter. Criteria: Natera Variant Classification Schema (03/2026). Collection method: clinical testing. Allele origin: germline. Not counted in ClinVar's aggregate classification.
Comment: The c.3908delA variant in CFTR is a frameshift variant predicted to shift the reading frame beginning at codon 1303 and leads to a stop codon 25 codons downstream. This variant is expected to result in nonsense mediated decay, truncation, or a dysfunctional protein product. This variant is rare in the general population with a frequency below the threshold expected for the associated phenotype(s). This variant has been observed in one or more individuals affected with the associated recessive disease, as either homozygous or compound heterozygous with a second variant (PMID: 30134826). Given the available evidence, this variant is classified as Pathogenic.

Labcorp Genetics (formerly Invitae), Labcorp
Classification: Pathogenic for Cystic fibrosis. Last evaluated: 2024-05-08. Review status: criteria provided, single submitter. Criteria: Invitae Variant Classification Sherloc (09022015). Collection method: clinical testing. Allele origin: germline. Not counted in ClinVar's aggregate classification.
Comment: This sequence change creates a premature translational stop signal (p.Asn1303Thrfs*25) in the CFTR gene. It is expected to result in an absent or disrupted protein product. Loss-of-function variants in CFTR are known to be pathogenic (PMID: 1695717, 7691345, 9725922). This variant is present in population databases (rs780529834, gnomAD 0.0009%). This premature translational stop signal has been observed in individual(s) with cystic fibrosis (PMID: 1283151, 23974870, 25910067). This variant is also known as 4035delA. ClinVar contains an entry for this variant (Variation ID: 53847). For these reasons, this variant has been classified as Pathogenic.

Fulgent Genetics
Classification: Pathogenic for Hereditary pancreatitis; Bronchiectasis with or without elevated sweat chloride 1; Cystic fibrosis; Congenital bilateral aplasia of vas deferens from CFTR mutation. Last evaluated: 2024-04-11. Review status: criteria provided, single submitter. Criteria: ACMG Guidelines, 2015. Collection method: clinical testing. Allele origin: germline. Not counted in ClinVar's aggregate classification.

Baylor Genetics
Classification: Pathogenic for Bronchiectasis with or without elevated sweat chloride 1. Last evaluated: 2023-11-18. Review status: criteria provided, single submitter. Criteria: ACMG Guidelines, 2015. Collection method: clinical testing. Allele origin: unknown. Not counted in ClinVar's aggregate classification.

Institute of Human Genetics, University of Leipzig Medical Center
Classification: Pathogenic for Cystic fibrosis. Last evaluated: 2022-09-05. Review status: criteria provided, single submitter. Criteria: ACMG Guidelines, 2015. Collection method: curation. Allele origin: unknown. Affected: yes. Observed: 8 variant alleles. Not counted in ClinVar's aggregate classification.
Comment: This variant was identified in 8 unrelated patients with a clinically confirmed diagnosis of cystic fibrosis. The variant was classified in the context of a project re-classifying variants in the German Cystic Fibrosis Registry (Muko.e.V.). Criteria applied: PVS1, PM2_SUP, PM3_STR, PP4

Women's Health and Genetics/Laboratory Corporation of America, LabCorp
Classification: Pathogenic for Cystic fibrosis. Last evaluated: 2022-03-21. Review status: criteria provided, single submitter. Criteria: LabCorp Variant Classification Summary - May 2015. Collection method: clinical testing. Allele origin: germline. Not counted in ClinVar's aggregate classification.
Comment: Variant summary: CFTR c.3908delA (p.Asn1303ThrfsX25) results in a premature termination codon, predicted to cause a truncation of the encoded protein or absence of the protein due to nonsense mediated decay, which are commonly known mechanisms for disease. Truncations downstream of this position have been classified as pathogenic by our laboratory. The variant was absent in 249248 control chromosomes (gnomAD). c.3908delA (also known as 4040delA) has been reported in the literature in multiple individuals affected with Cystic Fibrosis (e.g. Hu_2017, Sofia_2018, Stahl_2018). These data indicate that the variant is likely to be associated with disease. Three submitters, including an expert panel (CFTR2), have submitted clinical-significance assessments for this variant to ClinVar after 2014 and all classified the variant as pathogenic. Based on the evidence outlined above, the variant was classified as pathogenic.

Literature cited by the submitters: PubMed 30134826 (cited by Natera, Inc. and Women's Health and Genetics/Laboratory Corporation of America, LabCorp); PubMed 1695717 (cited by Labcorp Genetics (formerly Invitae), Labcorp); PubMed 7691345 (cited by Labcorp Genetics (formerly Invitae), Labcorp); PubMed 9725922 (cited by Labcorp Genetics (formerly Invitae), Labcorp); PubMed 1283151 (cited by Labcorp Genetics (formerly Invitae), Labcorp); PubMed 23974870 (cited by Labcorp Genetics (formerly Invitae), Labcorp); PubMed 25910067 (cited by Labcorp Genetics (formerly Invitae), Labcorp); PubMed 29095814 (cited by Women's Health and Genetics/Laboratory Corporation of America, LabCorp); PubMed 28811149 (cited by Women's Health and Genetics/Laboratory Corporation of America, LabCorp).

NM_000492.4(CFTR):c.3908del (p.Asn1303fs)

Gene: CFTR (CF transmembrane conductance regulator; plus strand). Cytogenetic location: 7q31.2.
Variant type: Deletion.
Coding change: c.3908del on transcript NM_000492.4 (MANE Select); coding-DNA position 3908, one base deleted (A; older notation c.3908delA).
Protein change: p.Asn1303fs; shifts the reading frame from asparagine 1303.
Molecular consequence: frameshift variant.
Genome position (GRCh38, 1-based): chr7:117,652,876, A deleted; the last of 6 consecutive A bases (chr7:117,652,871-117,652,876); deleting any one gives the same sequence. VCF-style (leftmost placement, unchanged base first): chr7-117652870-GA-G. GRCh37 (hg19) VCF-style: chr7-117292924-GA-G.
Other names: 4040delA; c.3908delA (NM_000492.3); short protein forms N1303fs.
Identifiers: ClinVar variation 53847 (VCV000053847.15), dbSNP rs397508637, ClinGen allele CA327337.
Genomic context (GRCh38, chr7:117,652,870, plus strand): 5'-ATACTTTCTTCTTCTTTTCTTTTTTGCTATAGAAAGTATTTATTTTTTCTGGAACATTTA[GA>G]AAAAACTTGGATCCCTATGAACAGTGGAGTGATCAAGAAATATGGAAAGTTGCAGATGAG-3'